The following is an entry in ClinVar:

ClinVar aggregate classification (germline): Pathogenic/Likely pathogenic. Review status: criteria provided, multiple submitters, no conflicts (2 of 4 stars). 5 submissions from 5 submitters: Pathogenic (4); Likely pathogenic (1). Last evaluated 2026-02-10.

Conditions:
SCN2A-related disorder. Also called: SCN2A-related disorders; SCN2A-related condition. Identifiers: MedGen CN382226, MONDO:1060245.
Inborn genetic diseases. Identifiers: MedGen C0950123, MeSH D030342.
Complex neurodevelopmental disorder. Identifiers: Orphanet 528084, MedGen C5568766, MONDO:0100038.
Seizures, benign familial infantile, 3 (BFIS3). Also called: Familial neonatal seizures; CONVULSIONS, BENIGN FAMILIAL INFANTILE, 3. Identifiers: Orphanet 140927, Orphanet 306, MedGen C1843140, MONDO:0011904, OMIM 607745.
Developmental and epileptic encephalopathy, 11 (DEE11). Also called: Early infantile epileptic encephalopathy 11. Identifiers: Orphanet 1934, MedGen C3150987, MONDO:0013388, OMIM 613721.

Submissions (5):

GeneDx
Classification: Pathogenic. Last evaluated: 2026-02-10. Review status: criteria provided, single submitter. Criteria: GeneDx Variant Classification Process June 2021. Collection method: clinical testing. Allele origin: germline. Affected: yes.
Comment: Not observed at significant frequency in large population cohorts (gnomAD); In silico analysis supports that this missense variant has a deleterious effect on protein structure/function; This substitution is predicted to be within the transmembrane segment S6 of the fourth homologous domain; This variant is associated with the following publications: (PMID: 32090326, 28379373, 31105003, 32400968, 27824329, 31785789, 34894057, 34992632, 35982160, 33057194, 35982159, 38958063)

Dasa
Classification: Pathogenic. Last evaluated: 2025-12-26. Review status: criteria provided, single submitter. Criteria: DASA Assertion Criteria. Collection method: clinical testing. Allele origin: germline.
Comment: NM_001040142.2(SCN2A):c.5318C>T (p.Ala1773Val) is a missense variant that results in the substitution of alanine with valine. The affected residue or protein region has prior evidence supporting clinical relevance. De novo occurrence has been reported in an individual with related phenotype. This variant has been recurrently observed in individuals with related phenotype (PMID: 28379373; PMID: 37805537; PMID: 32183904; PMID: 31871067). Multiple computational predictions support a deleterious effect on the gene or gene product. The variant is present at low frequency in population datasets. Based on the available data, this variant is classified as pathogenic.

Blueprint Genetics
Classification: Pathogenic for SCN2A-related disorders. Last evaluated: 2024-10-11. Review status: criteria provided, single submitter. Criteria: ACMG Guidelines, 2015. Collection method: clinical testing. Allele origin: germline. Affected: yes. Observed: 2 variant alleles.

Labcorp Genetics (formerly Invitae), Labcorp
Classification: Likely pathogenic for Seizures, benign familial infantile, 3; Developmental and epileptic encephalopathy, 11. Last evaluated: 2020-03-11. Review status: criteria provided, single submitter. Criteria: Invitae Variant Classification Sherloc (09022015). Collection method: clinical testing. Allele origin: germline.
Comment: This sequence change replaces alanine with valine at codon 1773 of the SCN2A protein (p.Ala1773Val). The alanine residue is highly conserved and there is a small physicochemical difference between alanine and valine. This variant is not present in population databases (ExAC no frequency). This variant has been observed in individuals affected with autism spectrum disorder and seizures (PMID: 27824329, 28379373). In at least one individual the variant was observed to be de novo. ClinVar contains an entry for this variant (Variation ID: 520893). Algorithms developed to predict the effect of missense changes on protein structure and function (SIFT, PolyPhen-2, Align-GVGD) all suggest that this variant is likely to be disruptive, but these predictions have not been confirmed by published functional studies and their clinical significance is uncertain. This variant disrupts the p.Ala1773 amino acid residue in SCN2A. Other variant(s) that disrupt this residue have been determined to be pathogenic (Invitae). This suggests that this residue is clinically significant, and that variants that disrupt this residue are likely to be disease-causing. In summary, the currently available evidence indicates that the variant is pathogenic, but additional data are needed to prove that conclusively. Therefore, this variant has been classified as Likely Pathogenic.

Ambry Genetics
Classification: Pathogenic for Inborn genetic diseases. Last evaluated: 2015-12-10. Review status: criteria provided, single submitter. Criteria: Ambry exome assertion method (8-5-2015). Collection method: clinical testing. Allele origin: germline. Affected: yes. Observed: 1 variant allele.

Literature cited by the submitters: PubMed 28379373 (cited by Dasa and Labcorp Genetics (formerly Invitae), Labcorp); PubMed 37805537 (cited by Dasa); PubMed 32183904 (cited by Dasa); PubMed 31871067 (cited by Dasa); PubMed 27824329 (cited by Labcorp Genetics (formerly Invitae), Labcorp).

NM_001040142.2(SCN2A):c.5318C>T (p.Ala1773Val)

Gene: SCN2A (sodium voltage-gated channel alpha subunit 2; plus strand). Cytogenetic location: 2q24.3.
Variant type: single nucleotide variant.
Coding change: c.5318C>T on transcript NM_001040142.2 (MANE Select); coding-DNA position 5318, C replaced by T.
Protein change: p.Ala1773Val; replaces alanine 1773 with valine.
Molecular consequence: missense variant.
Genome position (GRCh38, 1-based): chr2:165,389,124, C>T. VCF-style: chr2-165389124-C-T. GRCh37 (hg19) VCF-style: chr2-166245634-C-T.
Other names: c.5318C>T, p.Ala1773Val (NM_001040143.2, NM_001371246.1, NM_001371247.1 and 1 more transcripts); short protein forms A1773V.
Identifiers: ClinVar variation 520893 (VCV000520893.17), dbSNP rs1553463602, ClinGen allele CA349038702.
Genomic context (GRCh38, chr2:165,389,124, plus strand): 5'-TTTTCTTTTTTGTCAGTTACATCATCATATCCTTCCTGGTTGTGGTGAACATGTACATCG[C>T]GGTCATCCTGGAGAACTTCAGTGTTGCTACTGAAGAAAGTGCAGAGCCTCTGAGTGAGGA-3'
Protein context (NP_001035232.1, residues 1763-1783): SFLVVVNMYI[Ala1773Val]VILENFSVAT